The following is an entry in ClinVar:

NM_015272.5(RPGRIP1L):c.1083C>T (p.Asn361=)

Gene: RPGRIP1L (RPGRIP1 like; minus strand). Cytogenetic location: 16q12.2.
Variant type: single nucleotide variant.
Coding change: c.1083C>T on transcript NM_015272.5 (MANE Select); coding-DNA position 1083, C replaced by T.
Protein change: p.Asn361=; no amino-acid change (asparagine 361 retained).
Molecular consequence: synonymous variant.
Genome position (GRCh38, 1-based): chr16:53,671,530, G>A on the plus strand (C>T on the coding strand, the complement: RPGRIP1L is on the minus strand). VCF-style: chr16-53671530-G-A. GRCh37 (hg19) VCF-style: chr16-53705442-G-A.
Other names: c.1083C>T, p.Asn361= (NM_001127897.4, NM_001308334.3, NM_001330538.2).
Identifiers: ClinVar variation 3357420 (VCV003357420.1).

ClinVar aggregate classification (germline): Likely benign (0 of 4 stars; one submission).

Conditions:
RPGRIP1L-related disorder. Also called: RPGRIP1L-related condition; RPGRIP1L-related disorders. Identifiers: MedGen CN239416.

gnomAD v4.1: 3 of 1,580,452 alleles (0.00019%); highest among the groups gnomAD compares: African/African-American, 0.0027%; no homozygotes.

Submission:

PreventionGenetics, part of Exact Sciences
Classification: Likely benign for RPGRIP1L-related condition. Last evaluated: 2021-06-27. Review status: no assertion criteria provided. Collection method: clinical testing. Allele origin: germline.
Comment: This variant is classified as likely benign based on ACMG/AMP sequence variant interpretation guidelines (Richards et al. 2015 PMID: 25741868, with internal and published modifications).